The following is an entry in ClinVar:

NM_032444.4(SLX4):c.3307C>T (p.Arg1103Cys)

Gene: SLX4 (SLX4 structure-specific endonuclease subunit; minus strand). Cytogenetic location: 16p13.3.
Variant type: single nucleotide variant.
Coding change: c.3307C>T on transcript NM_032444.4 (MANE Select); coding-DNA position 3307, C replaced by T.
Protein change: p.Arg1103Cys; replaces arginine 1103 with cysteine.
Molecular consequence: missense variant.
Genome position (GRCh38, 1-based): chr16:3,590,331, G>A on the plus strand (C>T on the coding strand, the complement: SLX4 is on the minus strand). VCF-style: chr16-3590331-G-A. GRCh37 (hg19) VCF-style: chr16-3640332-G-A.
Other names: c.3307C>T (LRG_503t1); short protein forms R1103C.
Identifiers: ClinVar variation 660480 (VCV000660480.8), dbSNP rs200708159, ClinGen allele CA7865950.

ClinVar aggregate classification (germline): Uncertain significance. Review status: criteria provided, multiple submitters, no conflicts (2 of 4 stars). 2 submissions from 2 submitters: Uncertain significance (2). Last evaluated 2022-07-29.

Conditions:
Fanconi anemia complementation group P. Also called: SLX4-Related Fanconi Anemia. Identifiers: Orphanet 84, MedGen C3469542, MONDO:0013499, OMIM 613951.
Fanconi anemia (FA). Also called: Fanconi's anemia. Identifiers: Orphanet 84, MedGen C0015625, MeSH D005199, MONDO:0019391.

Allele frequency attached by ClinVar (database versions not stated): gnomAD 0.00002 and 0.00001; gnomAD exomes 0.00002 and 0.00003; TOPMed 0.00002; ExAC 0.00001; 1000 Genomes Project 30x 0.00016; 1000 Genomes Project 0.00020.
gnomAD v4.1: 28 of 1,614,170 alleles (0.0017%); highest among the groups gnomAD compares: East Asian, 0.0067%; 1 homozygote.

Submissions (2):

Labcorp Genetics (formerly Invitae), Labcorp
Classification: Uncertain significance for Fanconi anemia. Last evaluated: 2022-07-29. Review status: criteria provided, single submitter. Criteria: Invitae Variant Classification Sherloc (09022015). Collection method: clinical testing. Allele origin: germline.
Comment: In summary, the available evidence is currently insufficient to determine the role of this variant in disease. Therefore, it has been classified as a Variant of Uncertain Significance. Algorithms developed to predict the effect of missense changes on protein structure and function output the following: SIFT: "Deleterious"; PolyPhen-2: "Benign"; Align-GVGD: "Class C0". The cysteine amino acid residue is found in multiple mammalian species, which suggests that this missense change does not adversely affect protein function. ClinVar contains an entry for this variant (Variation ID: 660480). This variant has not been reported in the literature in individuals affected with SLX4-related conditions. This variant is present in population databases (rs200708159, gnomAD 0.01%). This sequence change replaces arginine, which is basic and polar, with cysteine, which is neutral and slightly polar, at codon 1103 of the SLX4 protein (p.Arg1103Cys).

Fulgent Genetics
Classification: Uncertain significance for Fanconi anemia complementation group P. Last evaluated: 2022-04-03. Review status: criteria provided, single submitter. Criteria: ACMG Guidelines, 2015. Collection method: clinical testing. Allele origin: unknown.